The following is an entry in ClinVar:

ClinVar aggregate classification (germline): Uncertain significance. Review status: criteria provided, multiple submitters, no conflicts (2 of 4 stars). 2 submissions from 2 submitters: Uncertain significance (2). Last evaluated 2024-02-27.

Conditions:
Ulnar-mammary syndrome (UMS). Also called: Ulnar-mammary syndrome of Pallister; SCHINZEL SYNDROME; PALLISTER ULNAR-MAMMARY SYNDROME. Identifiers: Orphanet 3138, MedGen C1866994, MONDO:0008411, OMIM 181450.

Submissions (2):

GeneDx
Classification: Uncertain significance. Last evaluated: 2024-02-27. Review status: criteria provided, single submitter. Criteria: GeneDx Variant Classification Process June 2021. Collection method: clinical testing. Allele origin: germline. Affected: yes.
Comment: Not observed at significant frequency in large population cohorts (gnomAD); In silico analysis supports that this missense variant has a deleterious effect on protein structure/function; Has not been previously published as pathogenic or benign to our knowledge

Broad Center for Mendelian Genomics, Broad Institute of MIT and Harvard
Classification: Uncertain significance for Ulnar-mammary syndrome. Last evaluated: 2023-12-20. Review status: criteria provided, single submitter. Criteria: ACMG Guidelines, 2015. Collection method: curation. Allele origin: germline. Inheritance: Autosomal dominant inheritance. Study: GREGoR Consortium.
Comment: The heterozygous p.Asn277Thr variant in TBX3 was identified by our study in 3 family members with ulnar-mammary syndrome. This variant was absent from large population studies. Computational prediction tools and conservation analyses suggest that this variant may impact the protein, though this information is not predictive enough to determine pathogenicity. In summary, the clinical significance of the p.Asn277Thr variant is uncertain. ACMG/AMP Criteria applied: PP3, PM2_supporting (Richards 2015).

NM_005996.4(TBX3):c.830A>C (p.Asn277Thr)

Gene: TBX3 (T-box transcription factor 3; minus strand). Cytogenetic location: 12q24.21.
Variant type: single nucleotide variant.
Coding change: c.830A>C on transcript NM_005996.4 (MANE Select); coding-DNA position 830, A replaced by C.
Protein change: p.Asn277Thr; replaces asparagine 277 with threonine.
Molecular consequence: missense variant.
Genome position (GRCh38, 1-based): chr12:114,677,631, T>G on the plus strand (A>C on the coding strand, the complement: TBX3 is on the minus strand). VCF-style: chr12-114677631-T-G. GRCh37 (hg19) VCF-style: chr12-115115436-T-G.
Other names: NM_016569.4:c.890A>C; c.890A>C, p.Asn297Thr (NM_016569.4); c.830A>C (NM_005996.3); short protein forms N277T, N297T.
Identifiers: ClinVar variation 2674592 (VCV002674592.2), dbSNP rs2499791791, ClinGen allele CA386870233.